The following is an entry in ClinVar:

NM_006563.5(KLF1):c.650A>G (p.Gln217Arg)

Gene: KLF1 (KLF transcription factor 1; minus strand). Cytogenetic location: 19p13.13.
Variant type: single nucleotide variant.
Coding change: c.650A>G on transcript NM_006563.5 (MANE Select); coding-DNA position 650, A replaced by G.
Protein change: p.Gln217Arg; replaces glutamine 217 with arginine.
Molecular consequence: missense variant.
Genome position (GRCh38, 1-based): chr19:12,885,580, T>C on the plus strand (A>G on the coding strand, the complement: KLF1 is on the minus strand). VCF-style: chr19-12885580-T-C. GRCh37 (hg19) VCF-style: chr19-12996394-T-C.
Other names: short protein forms Q217R.
Identifiers: ClinVar variation 2909562 (VCV002909562.3), dbSNP rs1334269746, ClinGen allele CA404308282.

ClinVar aggregate classification (germline): Uncertain significance (1 of 4 stars; one submission).

Allele frequency attached by ClinVar (database versions not stated): TOPMed below 0.00001.

Submission:

Labcorp Genetics (formerly Invitae), Labcorp
Classification: Uncertain significance. Last evaluated: 2023-03-19. Review status: criteria provided, single submitter. Criteria: Invitae Variant Classification Sherloc (09022015). Collection method: clinical testing. Allele origin: germline.
Comment: This sequence change replaces glutamine, which is neutral and polar, with arginine, which is basic and polar, at codon 217 of the KLF1 protein (p.Gln217Arg). This variant is not present in population databases (gnomAD no frequency). This variant has not been reported in the literature in individuals affected with KLF1-related conditions. Advanced modeling of protein sequence and biophysical properties (such as structural, functional, and spatial information, amino acid conservation, physicochemical variation, residue mobility, and thermodynamic stability) has been performed at Invitae for this missense variant, however the output from this modeling did not meet the statistical confidence thresholds required to predict the impact of this variant on KLF1 protein function. In summary, the available evidence is currently insufficient to determine the role of this variant in disease. Therefore, it has been classified as a Variant of Uncertain Significance.